The following is an entry in ClinVar:

NM_130837.3(OPA1):c.1377_1377+4del

Gene: OPA1 (OPA1 mitochondrial dynamin like GTPase; plus strand). Cytogenetic location: 3q29.
Variant type: Deletion.
Coding change: c.1377_1377+4del on transcript NM_130837.3 (MANE Select); coding-DNA position 1377 through 4 bases into the intron after coding-DNA position 1377, 5 bases deleted (TGTAA; older notation c.1377_1377+4delTGTAA).
Molecular consequence: splice donor variant.
Genome position (GRCh38, 1-based): chr3:193,643,444-193,643,448, TGTAA deleted; deleting any 5 consecutive bases within chr3:193,643,441-193,643,448 gives the same sequence; the c. name uses the placement nearest the transcript's 3' end. VCF-style (leftmost placement, unchanged base first): chr3-193643440-TTAATG-T. GRCh37 (hg19) VCF-style: chr3-193361229-TTAATG-T.
Other names: c.840_840+4del (NM_001354664.2); c.843_843+4del (NM_001354663.2); c.1266_1266+4del (NM_130834.3); c.1323_1323+4del (NM_130836.3); c.1212_1212+4del (NM_015560.3); c.1269_1269+4del (NM_130835.3); c.1158_1158+4del (NM_130832.3); c.1215_1215+4del (NM_130833.3); and 1 more.
Identifiers: ClinVar variation 805096 (VCV000805096.6), dbSNP rs1577242473, ClinGen allele CA915942987.

ClinVar aggregate classification (germline): Pathogenic/Likely pathogenic. Review status: criteria provided, multiple submitters, no conflicts (2 of 4 stars). 4 submissions from 4 submitters: Pathogenic (3); Likely pathogenic (1). Last evaluated 2024-01-09.

Conditions:
OPA1-related disorder. Also called: OPA1-related disorders; OPA1-related condition.

Submissions (4):

GeneDx
Classification: Likely pathogenic. Last evaluated: 2024-01-09. Review status: criteria provided, single submitter. Criteria: GeneDx Variant Classification Process June 2021. Collection method: clinical testing. Allele origin: germline. Affected: yes.
Comment: Canonical splice site variant predicted to result in an in-frame loss of the adjacent exon in a gene for which loss of function is a known mechanism of disease; Not observed at significant frequency in large population cohorts (gnomAD); This variant is associated with the following publications: (PMID: 11440988, 27860320, 32581362, 34242285, 15948788)

Labcorp Genetics (formerly Invitae), Labcorp
Classification: Pathogenic. Last evaluated: 2023-10-05. Review status: criteria provided, single submitter. Criteria: Invitae Variant Classification Sherloc (09022015). Collection method: clinical testing. Allele origin: germline.
Comment: This variant results in the deletion of part of exon 12 (c.1212_1212+4del) of the OPA1 gene. It is expected to disrupt RNA splicing. Variants that disrupt the donor or acceptor splice site typically lead to a loss of protein function (PMID: 16199547), and loss-of-function variants in OPA1 are known to be pathogenic (PMID: 11440988, 20157015, 20952381, 25012220). This variant is not present in population databases (gnomAD no frequency). This variant has been observed in individuals with dominant optic atrophy (PMID: 15948788, 34242285). This variant is also known as 1212delTgtaa. ClinVar contains an entry for this variant (Variation ID: 805096). Algorithms developed to predict the effect of sequence changes on RNA splicing suggest that this variant may disrupt the consensus splice site. For these reasons, this variant has been classified as Pathogenic.

Blueprint Genetics
Classification: Pathogenic for OPA1-related disorders. Last evaluated: 2021-07-15. Review status: criteria provided, single submitter. Criteria: ACMG Guidelines, 2015. Collection method: clinical testing. Allele origin: germline. Affected: yes. Observed: 2 variant alleles.

Athena Diagnostics
Classification: Pathogenic. Last evaluated: 2018-11-28. Review status: criteria provided, single submitter. Criteria: Athena Diagnostics Criteria. Collection method: clinical testing. Allele origin: germline.
Comment: The variant disrupts a canonical splice site, and is therefore predicted to result in the loss of a functional protein. Found in at least one symptomatic patient, and not found in general population data.

Literature cited by the submitters: PubMed 16199547 (cited by Labcorp Genetics (formerly Invitae), Labcorp); PubMed 11440988 (cited by Labcorp Genetics (formerly Invitae), Labcorp); PubMed 20157015 (cited by Labcorp Genetics (formerly Invitae), Labcorp); PubMed 20952381 (cited by Labcorp Genetics (formerly Invitae), Labcorp); PubMed 25012220 (cited by Labcorp Genetics (formerly Invitae), Labcorp); PubMed 15948788 (cited by Labcorp Genetics (formerly Invitae), Labcorp and Athena Diagnostics); PubMed 34242285 (cited by Labcorp Genetics (formerly Invitae), Labcorp).